The following is an entry in ClinVar:

ClinVar aggregate classification (germline): Likely pathogenic (1 of 4 stars; one submission).

Conditions:
Cardiovascular phenotype. Identifiers: MedGen CN230736.

Submission:

Ambry Genetics
Classification: Likely pathogenic for Cardiovascular phenotype. Last evaluated: 2026-05-29. Review status: criteria provided, single submitter. Criteria: Ambry Variant Classification Scheme 2023. Collection method: clinical testing. Allele origin: germline.
Comment: The c.822dupA variant, located in coding exon 5 of the TTN gene, results from a duplication of A at nucleotide position 822, causing a translational frameshift with a predicted alternate stop codon (p.A275Sfs*48). This exon is located in the Z-disk region of the N2-B isoform of the titin protein and is constitutively expressed in TTN transcripts (percent spliced in or PSI 100%). This variant is considered to be rare based on population cohorts in the Genome Aggregation Database (gnomAD). This variant is expected to result in loss of function by premature protein truncation or nonsense-mediated mRNA decay. While truncating variants in TTN are present in 1-3% of the general population, truncating variants in the A-band are the most common cause of dilated cardiomyopathy (Herman DS et al. N. Engl. J. Med., 2012 Feb;366:619-28; Roberts AM et al. Sci Transl Med, 2015 Jan;7:270ra6). TTN truncating variants encoded in constitutive exons (PSI >90%) have been found to be significantly associated with DCM regardless of their position in titin (Schafer S et al. Nat. Genet., 2017 01;49:46-53; Akhtar MM et al. Circ Heart Fail, 2020 Oct;13:e006832; Massier M et al. Clin Genet, 2025 Jan). Based on the majority of available evidence to date, this variant is likely to be pathogenic.

NM_001267550.2(TTN):c.822dup (p.Ala275fs)

Gene: TTN (titin; minus strand). Cytogenetic location: 2q31.2.
Variant type: Duplication.
Coding change: c.822dup on transcript NM_001267550.2 (MANE Select); coding-DNA position 822, one base duplicated (A; older notation c.822dupA).
Protein change: p.Ala275fs; shifts the reading frame from alanine 275.
Molecular consequence: frameshift variant.
Genome position (GRCh38, 1-based): chr2:178,799,579, T duplicated on the plus strand (A on the coding strand, the reverse complement: TTN is on the minus strand); the first of 3 consecutive T bases (chr2:178,799,579-178,799,581); duplicating any one gives the same sequence. VCF-style (leftmost placement, unchanged base first): chr2-178799578-C-CT. GRCh37 (hg19) VCF-style: chr2-179664305-C-CT.
Other names: c.822dup, p.Ala275fs (NM_001256850.1, NM_003319.4, NM_133378.4 and 3 more transcripts); c.822dupA (NM_003319.4); short protein forms A275fs.
Identifiers: ClinVar variation 4866237 (VCV004866237.1).
Genomic context (GRCh38, chr2:178,799,578, plus strand): 5'-GTCTGACCGGGGAAGGGGAGTGTCTTATGGGCGATGGGGACTGCTGCCGAGCCAGCTGTG[C>CT]TTTGGCAGCAATAGACGGTGGTGTTGGGGATCTTGACTTTGGCTTCGGAGGAATCCTGGG-3'